The following is an entry in ClinVar:

ClinVar aggregate classification (germline): Uncertain significance (1 of 4 stars; one submission).

Allele frequency attached by ClinVar (database versions not stated): gnomAD exomes below 0.00001.
gnomAD v4.1: 1 of 1,591,602 alleles (0.000063%); highest among the groups gnomAD compares: South Asian, 0.0011%; no homozygotes.

Submission:

Labcorp Genetics (formerly Invitae), Labcorp
Classification: Uncertain significance. Last evaluated: 2022-08-09. Review status: criteria provided, single submitter. Criteria: Invitae Variant Classification Sherloc (09022015). Collection method: clinical testing. Allele origin: germline.
Comment: In summary, the available evidence is currently insufficient to determine the role of this variant in disease. Therefore, it has been classified as a Variant of Uncertain Significance. Algorithms developed to predict the effect of missense changes on protein structure and function (SIFT, PolyPhen-2, Align-GVGD) all suggest that this variant is likely to be tolerated. ClinVar contains an entry for this variant (Variation ID: 1415150). This variant has not been reported in the literature in individuals affected with IFT81-related conditions. This variant is not present in population databases (gnomAD no frequency). This sequence change replaces threonine, which is neutral and polar, with isoleucine, which is neutral and non-polar, at codon 140 of the IFT81 protein (p.Thr140Ile).

NM_014055.4(IFT81):c.419C>T (p.Thr140Ile)

Gene: IFT81 (intraflagellar transport 81; plus strand). Cytogenetic location: 12q24.11.
Variant type: single nucleotide variant.
Coding change: c.419C>T on transcript NM_014055.4 (MANE Select); coding-DNA position 419, C replaced by T.
Protein change: p.Thr140Ile; replaces threonine 140 with isoleucine.
Molecular consequence: missense variant. On other transcripts: 5 prime UTR variant (2), non-coding transcript variant (4).
Genome position (GRCh38, 1-based): chr12:110,129,120, C>T. VCF-style: chr12-110129120-C-T. GRCh37 (hg19) VCF-style: chr12-110566925-C-T.
Other names: c.419C>T, p.Thr140Ile (NM_001143779.2, NM_001347946.2, NM_031473.4); c.-348C>T (NM_001347947.2, NM_001347948.2); short protein forms T140I.
Identifiers: ClinVar variation 1415150 (VCV001415150.6), dbSNP rs2137296688, ClinGen allele CA386907858.